The following is an entry in ClinVar:

ClinVar aggregate classification (germline): Likely pathogenic (1 of 4 stars; one submission).

Conditions:
Hyperammonemia, type III (NAGSD). Also called: Hyperammonemia due to N-acetylglutamate synthase deficiency. Identifiers: Orphanet 927, MedGen C0268543, MONDO:0009377, OMIM 237310.

Submission:

Natera, Inc.
Classification: Likely pathogenic for Hyperammonemia type III. Last evaluated: 2025-09-29. Review status: criteria provided, single submitter. Criteria: Natera Variant Classification Schema (03/2026). Collection method: clinical testing. Allele origin: germline.
Comment: The c.1218del variant in NAGS is a frameshift variant predicted to shift the reading frame beginning at codon 407 and leads to a stop codon 24 codons downstream. This variant is expected to result in nonsense mediated decay, truncation, or a dysfunctional protein product. This variant is rare in the general population with a frequency below the threshold expected for the associated phenotype(s). Given the available evidence, this variant is classified as Likely Pathogenic.

NM_153006.3(NAGS):c.1218del (p.Tyr407fs)

Gene: NAGS (N-acetylglutamate synthase; plus strand). Cytogenetic location: 17q21.31.
Variant type: Deletion.
Coding change: c.1218del on transcript NM_153006.3 (MANE Select); coding-DNA position 1218, one base deleted (C; older notation c.1218delC).
Protein change: p.Tyr407fs; shifts the reading frame from tyrosine 407.
Molecular consequence: frameshift variant.
Genome position (GRCh38, 1-based): chr17:44,007,444, C deleted. VCF-style (leftmost placement, unchanged base first): chr17-44007443-AC-A. GRCh37 (hg19) VCF-style: chr17-42084811-AC-A.
Other names: short protein forms Y407fs.
Identifiers: ClinVar variation 4816899 (VCV004816899.1).